The following is an entry in ClinVar:

NM_000465.4(BARD1):c.623A>G (p.Lys208Arg)

Gene: BARD1 (BRCA1 associated RING domain 1; minus strand). Cytogenetic location: 2q35.
Variant type: single nucleotide variant.
Coding change: c.623A>G on transcript NM_000465.4 (MANE Select); coding-DNA position 623, A replaced by G.
Protein change: p.Lys208Arg; replaces lysine 208 with arginine.
Molecular consequence: missense variant. On other transcripts: non-coding transcript variant (2), intron variant (3).
Genome position (GRCh38, 1-based): chr2:214,781,251, T>C on the plus strand (A>G on the coding strand, the complement: BARD1 is on the minus strand). VCF-style: chr2-214781251-T-C. GRCh37 (hg19) VCF-style: chr2-215645975-T-C.
Other names: c.566A>G, p.Lys189Arg (NM_001282543.2); c.158+28161A>G (NM_001282548.2); c.215+15810A>G (NM_001282545.2); c.364+11046A>G (NM_001282549.2); short protein forms K208R, K189R.
Identifiers: ClinVar variation 2171951 (VCV002171951.3), dbSNP rs1243602400, ClinGen allele CA350456660.

ClinVar aggregate classification (germline): Uncertain significance (1 of 4 stars; one submission).

Conditions:
Familial cancer of breast. Also called: Hereditary breast cancer; hereditary breast carcinoma; BREAST CANCER, FAMILIAL. Identifiers: Orphanet 227535, MedGen C0346153, MONDO:0016419, OMIM 114480. Disease mechanism: loss of function.

Allele frequency attached by ClinVar (database versions not stated): gnomAD exomes below 0.00001; TOPMed below 0.00001.
gnomAD v4.1: 3 of 1,594,888 alleles (0.00019%); highest among the groups gnomAD compares: Admixed American, 0.0018%; no homozygotes.

Submission:

Labcorp Genetics (formerly Invitae), Labcorp
Classification: Uncertain significance for Familial cancer of breast. Last evaluated: 2023-01-12. Review status: criteria provided, single submitter. Criteria: Invitae Variant Classification Sherloc (09022015). Collection method: clinical testing. Allele origin: germline.
Comment: In summary, the available evidence is currently insufficient to determine the role of this variant in disease. Therefore, it has been classified as a Variant of Uncertain Significance. Algorithms developed to predict the effect of missense changes on protein structure and function are either unavailable or do not agree on the potential impact of this missense change (SIFT: "Tolerated"; PolyPhen-2: "Probably Damaging"; Align-GVGD: "Class C0"). This variant has not been reported in the literature in individuals affected with BARD1-related conditions. This variant is present in population databases (no rsID available, gnomAD 0.003%). This sequence change replaces lysine, which is basic and polar, with arginine, which is basic and polar, at codon 208 of the BARD1 protein (p.Lys208Arg).